The following is an entry in ClinVar:

ClinVar aggregate classification (germline): Uncertain significance (1 of 4 stars; one submission).

Allele frequency attached by ClinVar (database versions not stated): gnomAD exomes 0.00003; gnomAD 0.00004; ExAC 0.00449.
gnomAD v4.1: 39 of 999,248 alleles (0.0039%); highest among the groups gnomAD compares: South Asian, 0.085%; no homozygotes.

Submission:

Labcorp Genetics (formerly Invitae), Labcorp
Classification: Uncertain significance. Last evaluated: 2022-11-07. Review status: criteria provided, single submitter. Criteria: Invitae Variant Classification Sherloc (09022015). Collection method: clinical testing. Allele origin: germline.
Comment: In summary, the available evidence is currently insufficient to determine the role of this variant in disease. Therefore, it has been classified as a Variant of Uncertain Significance. Algorithms developed to predict the effect of missense changes on protein structure and function (SIFT, PolyPhen-2, Align-GVGD) all suggest that this variant is likely to be tolerated. This variant has not been reported in the literature in individuals affected with CTBP1-related conditions. The frequency data for this variant in the population databases is considered unreliable, as metrics indicate poor data quality at this position in the gnomAD database. This sequence change replaces leucine, which is neutral and non-polar, with proline, which is neutral and non-polar, at codon 11 of the CTBP1 protein (p.Leu11Pro).

NM_001012614.2(CTBP1):c.-197T>C

Genes: CTBP1 (C-terminal binding protein 1; minus strand), LOC129991984 (ATAC-STARR-seq lymphoblastoid silent region 15125; plus strand). Cytogenetic location: 4p16.3.
Variant type: single nucleotide variant.
Coding change: c.-197T>C on transcript NM_001012614.2 (MANE Select); 197 bases upstream of the start codon, T replaced by C.
Molecular consequence: 5 prime UTR variant. On other transcripts: missense variant (2), intron variant (4).
Genome position (GRCh38, 1-based): chr4:1,248,924, A>G on the plus strand (T>C on the coding strand, the complement: CTBP1 is on the minus strand). VCF-style: chr4-1248924-A-G. GRCh37 (hg19) VCF-style: chr4-1242712-A-G.
Other names: c.32T>C, p.Leu11Pro (NM_001328.3, NM_001377186.1); c.-197T>C (NM_001377187.1); c.-189+1236T>C (NM_001377192.1, NM_001377189.1); c.-189+725T>C (NM_001377193.1, NM_001377190.1); short protein forms L11P.
Identifiers: ClinVar variation 1911341 (VCV001911341.5), dbSNP rs768733368, ClinGen allele CA2804700.